The following is an entry in ClinVar:

ClinVar aggregate classification (germline): Conflicting classifications of pathogenicity. Review status: criteria provided, conflicting classifications (1 of 4 stars). 3 submissions from 3 submitters: Uncertain significance (2); Likely benign (1). Last evaluated 2025-02-19.

Conditions:
Inborn genetic diseases. Identifiers: MedGen C0950123, MeSH D030342.

Allele frequency attached by ClinVar (database versions not stated): gnomAD 0.00001 and 0.00003; gnomAD exomes 0.00003 and 0.00004; ExAC 0.00005; TOPMed 0.00005; ESP Exome Variant Server 0.00008.
gnomAD v4.1: 40 of 1,551,796 alleles (0.0026%); highest among the groups gnomAD compares: Admixed American, 0.0078%; no homozygotes.

Submissions (3):

Labcorp Genetics (formerly Invitae), Labcorp
Classification: Uncertain significance. Last evaluated: 2025-02-19. Review status: criteria provided, single submitter. Criteria: Invitae Variant Classification Sherloc (09022015). Collection method: clinical testing. Allele origin: germline.
Comment: This sequence change replaces glycine, which is neutral and non-polar, with glutamic acid, which is acidic and polar, at codon 938 of the LTBP2 protein (p.Gly938Glu). This variant is present in population databases (rs374770579, gnomAD 0.02%). This variant has not been reported in the literature in individuals affected with LTBP2-related conditions. ClinVar contains an entry for this variant (Variation ID: 1368142). An algorithm developed to predict the effect of missense changes on protein structure and function outputs the following: PolyPhen-2: "Benign". The glutamic acid amino acid residue is found in multiple mammalian species, which suggests that this missense change does not adversely affect protein function. In summary, the available evidence is currently insufficient to determine the role of this variant in disease. Therefore, it has been classified as a Variant of Uncertain Significance.

Blueprint Genetics
Classification: Likely benign. Last evaluated: 2024-08-15. Review status: criteria provided, single submitter. Criteria: ACMG Guidelines, 2015. Collection method: clinical testing. Allele origin: germline.

Ambry Genetics
Classification: Uncertain significance for Inborn genetic diseases. Last evaluated: 2024-01-22. Review status: criteria provided, single submitter. Criteria: Ambry Variant Classification Scheme 2023. Collection method: clinical testing. Allele origin: germline.

NM_000428.3(LTBP2):c.2813G>A (p.Gly938Glu)

Gene: LTBP2 (latent transforming growth factor beta binding protein 2; minus strand). Cytogenetic location: 14q24.3.
Variant type: single nucleotide variant.
Coding change: c.2813G>A on transcript NM_000428.3 (MANE Select); coding-DNA position 2813, G replaced by A.
Protein change: p.Gly938Glu; replaces glycine 938 with glutamic acid.
Molecular consequence: missense variant.
Genome position (GRCh38, 1-based): chr14:74,516,917, C>T on the plus strand (G>A on the coding strand, the complement: LTBP2 is on the minus strand). VCF-style: chr14-74516917-C-T. GRCh37 (hg19) VCF-style: chr14-74983620-C-T.
Other names: c.2813G>A (NM_000428.2); short protein forms G938E.
Identifiers: ClinVar variation 1368142 (VCV001368142.6), dbSNP rs374770579, ClinGen allele CA7269377.